The following is an entry in ClinVar:

NM_206933.4(USH2A):c.10861A>T (p.Lys3621Ter)

Gene: USH2A (usherin; minus strand). Cytogenetic location: 1q41.
Variant type: single nucleotide variant.
Coding change: c.10861A>T on transcript NM_206933.4 (MANE Select); coding-DNA position 10861, A replaced by T.
Protein change: p.Lys3621Ter; replaces lysine 3621 with a stop codon.
Molecular consequence: nonsense.
Genome position (GRCh38, 1-based): chr1:215,779,921, T>A on the plus strand (A>T on the coding strand, the complement: USH2A is on the minus strand). VCF-style: chr1-215779921-T-A. GRCh37 (hg19) VCF-style: chr1-215953263-T-A.
Other names: short protein forms K3621*.
Identifiers: ClinVar variation 2003324 (VCV002003324.4), dbSNP rs2464383347, ClinGen allele CA344833688.

ClinVar aggregate classification (germline): Pathogenic (1 of 4 stars; one submission).

Submission:

Labcorp Genetics (formerly Invitae), Labcorp
Classification: Pathogenic. Last evaluated: 2023-09-20. Review status: criteria provided, single submitter. Criteria: Invitae Variant Classification Sherloc (09022015). Collection method: clinical testing. Allele origin: germline.
Comment: This sequence change creates a premature translational stop signal (p.Lys3621*) in the USH2A gene. It is expected to result in an absent or disrupted protein product. Loss-of-function variants in USH2A are known to be pathogenic (PMID: 10729113, 10909849, 20507924, 25649381). For these reasons, this variant has been classified as Pathogenic. Algorithms developed to predict the effect of sequence changes on RNA splicing suggest that this variant may disrupt the consensus splice site. ClinVar contains an entry for this variant (Variation ID: 2003324). This variant has not been reported in the literature in individuals affected with USH2A-related conditions. This variant is not present in population databases (gnomAD no frequency).

Literature cited by the submitters: PubMed 10729113; PubMed 10909849; PubMed 20507924; PubMed 25649381.